The following is an entry in ClinVar:

ClinVar aggregate classification (germline): Likely pathogenic (1 of 4 stars; one submission).

Conditions:
Diamond-Blackfan anemia 4 (DBA4). Also called: RPS17-Related Diamond-Blackfan Anemia. Identifiers: Orphanet 124, MedGen C2675860, MONDO:0012924, OMIM 612527.

Submission:

Juno Genomics, Hangzhou Juno Genomics, Inc
Classification: Likely pathogenic for Diamond-Blackfan anemia 4. Review status: criteria provided, single submitter. Criteria: ACMG Guidelines, 2015. Collection method: clinical testing. Allele origin: germline.
Comment: Null variant in a gene where loss of function (LOF) is a known mechanism of disease.;Absent from controls (or at extremely low frequency if recessive) in Genome Aggregation Database.

NM_001021.6(RPS17):c.178C>T (p.Arg60Ter)

Gene: RPS17 (ribosomal protein S17; minus strand). Cytogenetic location: 15q25.2.
Variant type: single nucleotide variant.
Coding change: c.178C>T on transcript NM_001021.6 (MANE Select); coding-DNA position 178, C replaced by T.
Protein change: p.Arg60Ter; replaces arginine 60 with a stop codon.
Molecular consequence: nonsense. On other transcripts: non-coding transcript variant (2).
Genome position (GRCh38, 1-based): chr15:82,538,963, G>A on the plus strand (C>T on the coding strand, the complement: RPS17 is on the minus strand). VCF-style: chr15-82538963-G-A. GRCh37 (hg19) VCF-style: chr15-82823371-G-A.
Other names: short protein forms R60*.
Identifiers: ClinVar variation 5005466 (VCV005005466.2).
Genomic context (GRCh38, chr15:82,538,963, plus strand): 5'-TTTCTCTCTCCTCCTCCTGCAGCTTGATGGAGATACCTCTTACTGGGCCTCTCTGAATTC[G>A]CTTCATCAGATGCGTGACATAACTACAAAGCACACACAGCCAAAGAGAACAGTGAGAAGA-3'